The following is an entry in ClinVar:

ClinVar aggregate classification (germline): Uncertain significance (1 of 4 stars; one submission).

Conditions:
Hereditary sensory and autonomic neuropathy type 6. Also called: HSAN VI; Neuropathy, hereditary sensory and autonomic, type VI. Identifiers: Orphanet 314381, MedGen C3539003, MONDO:0013839, OMIM 614653.
Epidermolysis bullosa simplex 3, localized or generalized intermediate, with BP230 deficiency (EBS3). Also called: Epidermolysis bullosa simplex due to BP230 deficiency; Epidermolysis bullosa simplex, autosomal recessive 2. Identifiers: Orphanet 412181, MedGen C3809470, MONDO:0014180, OMIM 615425.

Allele frequency attached by ClinVar (database versions not stated): gnomAD 0.00001; TOPMed 0.00001.
gnomAD v4.1: 14 of 1,538,120 alleles (0.00091%); highest among the groups gnomAD compares: Middle Eastern, 0.017%; no homozygotes.

Submission:

Labcorp Genetics (formerly Invitae), Labcorp
Classification: Uncertain significance for Epidermolysis bullosa simplex 3, localized or generalized intermediate, with BP230 deficiency; Hereditary sensory and autonomic neuropathy type 6. Last evaluated: 2022-07-30. Review status: criteria provided, single submitter. Criteria: Invitae Variant Classification Sherloc (09022015). Collection method: clinical testing. Allele origin: germline.
Comment: The DST gene has multiple clinically relevant transcripts. This variant occurs in alternate transcript NM_015548.4, and corresponds to NM_001723.5:c.*42785C>A in the primary transcript. In summary, the available evidence is currently insufficient to determine the role of this variant in disease. Therefore, it has been classified as a Variant of Uncertain Significance. Experimental studies and prediction algorithms are not available or were not evaluated, and the effect of this variant on mRNA splicing is currently unknown. This variant has not been reported in the literature in individuals affected with DST-related conditions. The frequency data for this variant in the population databases is considered unreliable, as metrics indicate poor data quality at this position in the gnomAD database. This sequence change falls in intron 33 of the DST gene. It does not directly change the encoded amino acid sequence of the DST protein.

NM_001374736.1(DST):c.13554+15C>A

Gene: DST (dystonin; minus strand). Cytogenetic location: 6p12.1.
Variant type: single nucleotide variant.
Coding change: c.13554+15C>A on transcript NM_001374736.1 (MANE Select); 15 bases into the intron after coding-DNA position 13554, C replaced by A.
Molecular consequence: intron variant.
Genome position (GRCh38, 1-based): chr6:56,572,732, G>T on the plus strand (C>A on the coding strand, the complement: DST is on the minus strand). VCF-style: chr6-56572732-G-T. GRCh37 (hg19) VCF-style: chr6-56437530-G-T.
Other names: c.7197+15C>A (NM_001144769.5); c.13554+15C>A (NM_001374722.1); c.13581+15C>A (NM_001374734.1); c.6783+15C>A (NM_001144770.2); c.6663+15C>A (NM_001374730.1, NM_001386100.1, NM_183380.4); c.12921+15C>A (NM_001374729.1); c.5685+15C>A (NM_015548.5).
Identifiers: ClinVar variation 2157938 (VCV002157938.4), dbSNP rs1435780152, ClinGen allele CA567377668.